The following is an entry in ClinVar:

NM_004727.3(SLC24A1):c.2625G>T (p.Glu875Asp)

Gene: SLC24A1 (solute carrier family 24 member 1; plus strand). Cytogenetic location: 15q22.31.
Variant type: single nucleotide variant.
Coding change: c.2625G>T on transcript NM_004727.3 (MANE Select); coding-DNA position 2625, G replaced by T.
Protein change: p.Glu875Asp; replaces glutamic acid 875 with aspartic acid.
Molecular consequence: missense variant.
Genome position (GRCh38, 1-based): chr15:65,650,774, G>T. VCF-style: chr15-65650774-G-T. GRCh37 (hg19) VCF-style: chr15-65943112-G-T.
Other names: c.606G>T, p.Glu202Asp (NM_001254740.2); c.2625G>T, p.Glu875Asp (NM_001301031.1); c.2571G>T, p.Glu857Asp (NM_001301032.1, NM_001301033.2); c.2283G>T, p.Glu761Asp (NM_001411142.1); short protein forms E202D, E875D, E857D, E761D.
Identifiers: ClinVar variation 1975967 (VCV001975967.5), dbSNP rs1246635459, ClinGen allele CA392900030.

ClinVar aggregate classification (germline): Uncertain significance (1 of 4 stars; one submission).

Allele frequency attached by ClinVar (database versions not stated): gnomAD 0.00001; TOPMed 0.00001.
gnomAD v4.1: 4 of 1,611,264 alleles (0.00025%); highest among the groups gnomAD compares: East Asian, 0.0067%; no homozygotes.

Submission:

Labcorp Genetics (formerly Invitae), Labcorp
Classification: Uncertain significance. Last evaluated: 2021-12-29. Review status: criteria provided, single submitter. Criteria: Invitae Variant Classification Sherloc (09022015). Collection method: clinical testing. Allele origin: germline.
Comment: In summary, the available evidence is currently insufficient to determine the role of this variant in disease. Therefore, it has been classified as a Variant of Uncertain Significance. Algorithms developed to predict the effect of missense changes on protein structure and function output the following: SIFT: "Tolerated"; PolyPhen-2: "Benign"; Align-GVGD: "Class C0". The aspartic acid amino acid residue is found in multiple mammalian species, which suggests that this missense change does not adversely affect protein function. This variant has not been reported in the literature in individuals affected with SLC24A1-related conditions. This variant is not present in population databases (gnomAD no frequency). This sequence change replaces glutamic acid, which is acidic and polar, with aspartic acid, which is acidic and polar, at codon 875 of the SLC24A1 protein (p.Glu875Asp).